The following is an entry in ClinVar:

ClinVar aggregate classification (germline): Uncertain significance (1 of 4 stars; one submission).

Conditions:
Tuberous sclerosis syndrome (TSC). Also called: Tuberous Sclerosis Complex; Tuberous sclerosis. Identifiers: Orphanet 805, MedGen C0041341, MONDO:0001734.

Submission:

All of Us Research Program, National Institutes of Health
Classification: Uncertain significance for Tuberous sclerosis syndrome. Last evaluated: 2023-05-04. Review status: criteria provided, single submitter. Criteria: ACMG Guidelines, 2015. Collection method: clinical testing. Allele origin: germline. Inheritance: Autosomal dominant inheritance. Observed: 1 variant allele, 1 heterozygote.
Comment: This missense variant replaces serine with cysteine at codon 1437 of the TSC2 protein. Computational prediction is inconclusive regarding the impact of this variant on protein structure and function (internally defined REVEL score threshold 0.5 < inconclusive < 0.7, PMID: 27666373). To our knowledge, functional studies have not been reported for this variant. This variant has not been reported in individuals affected with tuberous sclerosis complex in the literature. This variant has not been identified in the general population by the Genome Aggregation Database (gnomAD). The available evidence is insufficient to determine the role of this variant in disease conclusively. Therefore, this variant is classified as a Variant of Uncertain Significance.

This study involves interpretation of variants in research participants for the purpose of population health screening. Participant phenotype was not available at the time of variant classification. Additional details can be found in publication PMID: 35346344, PMCID: PMC8962531

NM_000548.5(TSC2):c.4309A>T (p.Ser1437Cys)

Gene: TSC2 (TSC complex subunit 2; plus strand). Cytogenetic location: 16p13.3.
Variant type: single nucleotide variant.
Coding change: c.4309A>T on transcript NM_000548.5 (MANE Select); coding-DNA position 4309, A replaced by T.
Protein change: p.Ser1437Cys; replaces serine 1437 with cysteine.
Molecular consequence: missense variant. On other transcripts: non-coding transcript variant (5).
Genome position (GRCh38, 1-based): chr16:2,084,531, A>T. VCF-style: chr16-2084531-A-T. GRCh37 (hg19) VCF-style: chr16-2134532-A-T.
Other names: c.4108A>T, p.Ser1370Cys (NM_001077183.3); c.4240A>T, p.Ser1414Cys (NM_001114382.3); c.4000A>T, p.Ser1334Cys (NM_001318827.2); c.3964A>T, p.Ser1322Cys (NM_001318829.2); c.3577A>T, p.Ser1193Cys (NM_001318831.2); c.4141A>T, p.Ser1381Cys (NM_001318832.2); c.4111A>T, p.Ser1371Cys (NM_001363528.2); c.4177A>T, p.Ser1393Cys (NM_001370404.1); and 26 more; short protein forms S1170C, S1171C, S1193C, S1213C, S1214C, S1217C, S1237C, S1321C.
Identifiers: ClinVar variation 3070855 (VCV003070855.1), dbSNP rs1440449585, ClinGen allele CA394301251.
Genomic context (GRCh38, chr16:2,084,531, plus strand): 5'-CGGTCACAGTCAGGGACCCTGGACGGGGAAAGTGCTGCCTGGTCGGCCTCGGGCGAAGAC[A>T]GTCGGGGCCAGCCCGAGGGTCCCTTGCCTTCCAGCTCCCCCCGCTCGCCCAGTGGCCTCC-3'
Protein context (NP_000539.2, residues 1427-1447): SAAWSASGED[Ser1437Cys]RGQPEGPLPS